The following is an entry in ClinVar:

ClinVar aggregate classification (germline): Likely pathogenic (1 of 4 stars; one submission).

Conditions:
Hereditary cancer-predisposing syndrome. Also called: Tumor predisposition; Hereditary Cancer Syndrome; Hereditary neoplastic syndrome; Neoplastic Syndromes, Hereditary. Identifiers: Orphanet 140162, MedGen C0027672, MeSH D009386, MONDO:0015356.

Submission:

Ambry Genetics
Classification: Likely pathogenic for Hereditary cancer-predisposing syndrome. Last evaluated: 2025-10-07. Review status: criteria provided, single submitter. Criteria: Ambry Variant Classification Scheme 2023. Collection method: clinical testing. Allele origin: germline.
Comment: The c.770+1G>A intronic variant results from a G to A substitution one nucleotide after coding exon 6 of the SDHA gene. This variant is considered to be rare based on population cohorts in the Genome Aggregation Database (gnomAD). This nucleotide position is highly conserved in available vertebrate species. In silico splice site analysis predicts that this alteration will weaken the native splice donor site. Alterations that disrupt the canonical splice site are expected to cause aberrant splicing, resulting in an abnormal protein or a transcript that is subject to nonsense-mediated mRNA decay. As such, this alteration is classified as likely pathogenic.

NM_004168.4(SDHA):c.770+1G>A

Gene: SDHA (succinate dehydrogenase complex flavoprotein subunit A; plus strand). Cytogenetic location: 5p15.33.
Variant type: single nucleotide variant.
Coding change: c.770+1G>A on transcript NM_004168.4 (MANE Select); the canonical splice donor site of the intron after coding-DNA position 770, G replaced by A.
Molecular consequence: splice donor variant.
Genome position (GRCh38, 1-based): chr5:228,334, G>A. VCF-style: chr5-228334-G-A. GRCh37 (hg19) VCF-style: chr5-228449-G-A.
Other names: c.770+1G>A (NM_001330758.2); c.626+1G>A (NM_001294332.2).
Identifiers: ClinVar variation 4546757 (VCV004546757.1).